The following is an entry in ClinVar:

NM_000512.5(GALNS):c.612C>G (p.Asn204Lys)

Gene: GALNS (galactosamine (N-acetyl)-6-sulfatase; minus strand). Cytogenetic location: 16q24.3.
Variant type: single nucleotide variant.
Coding change: c.612C>G on transcript NM_000512.5 (MANE Select); coding-DNA position 612, C replaced by G.
Protein change: p.Asn204Lys; replaces asparagine 204 with lysine.
Molecular consequence: missense variant.
Genome position (GRCh38, 1-based): chr16:88,836,222, G>C on the plus strand (C>G on the coding strand, the complement: GALNS is on the minus strand). VCF-style: chr16-88836222-G-C. GRCh37 (hg19) VCF-style: chr16-88902630-G-C.
Other names: c.57C>G, p.Asn19Lys (NM_001323543.2); c.630C>G, p.Asn210Lys (NM_001323544.2); short protein forms N204K, N210K, N19K.
Identifiers: ClinVar variation 698 (VCV000000698.7), dbSNP rs118204435, ClinGen allele CA251563.
Genomic context (GRCh38, chr16:88,836,222, plus strand): 5'-ATGCGTCCCACAGGGCGAGGATGGTGCGGTCCCCATCACCTGCAGGTAGATCTGGGTGAG[G>C]TTGGCTTCCCCCGTCTTCAGATTAATAGGAAATTCTTCATAATATCTGAAAAGAACACAG-3'
Protein context (NP_000503.1, residues 194-214): FPINLKTGEA[Asn204Lys]LTQIYLQEAL

ClinVar aggregate classification (germline): Likely pathogenic. Review status: criteria provided, single submitter (1 of 4 stars). 3 submissions from 3 submitters: Likely pathogenic (1). 2 of the submissions do not count toward it. Last evaluated 2021-02-01.

Conditions:
Mucopolysaccharidosis, MPS-IV-A (MPS4A). Also called: GALACTOSAMINE-6-SULFATASE DEFICIENCY; GALNS DEFICIENCY; MPS IVA; Mucopolysaccharidosis type IV A; Morquio syndrome A, mild; MORQUIO A DISEASE. Identifiers: Orphanet 309297, Orphanet 582, MedGen C0086651, MONDO:0009659, OMIM 253000.

Allele frequency attached by ClinVar (database versions not stated): gnomAD 0.00001.
gnomAD v4.1: 2 of 1,613,454 alleles (0.00012%); highest among the groups gnomAD compares: East Asian, 0.0045%; no homozygotes.

Submissions (3):

Laboratory of Diagnosis and Therapy of Lysosomal Disorders, University of Padova
Classification: Likely pathogenic for Mucopolysaccharidosis, MPS-IV-A. Last evaluated: 2021-02-01. Review status: criteria provided, single submitter. Criteria: ACMG Guidelines, 2015. Collection method: curation. Allele origin: germline. Affected: yes.
Comment: In vivo and in vitro functional studies supportive of a damaging effect on the gene product (low to null enzymatic activity in homozygotes; low to null in vitro enzymatic activity; PS3_moderate); the prevalence of the variant in affected individuals is significantly increased compared with the prevalence in controls (PS4_moderate); absent from gnomAD v2.1.1 (PM2_moderate); multiple lines of computational evidence suggest no impact on gene or gene product (BP4_supporting)

OMIM
Classification: Pathogenic for MUCOPOLYSACCHARIDOSIS, TYPE IVA. Last evaluated: 1992-09-01. Review status: no assertion criteria provided. Collection method: literature only. Allele origin: germline. Not counted in ClinVar's aggregate classification.

GeneReviews
No classification provided. Condition: Mucopolysaccharidosis, MPS-IV-A. Review status: no classification provided. Collection method: literature only. Allele origin: germline. Not counted in ClinVar's aggregate classification.

Literature cited by the submitters: PubMed 1522213 (cited by Laboratory of Diagnosis and Therapy of Lysosomal Disorders, University of Padova and OMIM); PubMed 15235041 (cited by Laboratory of Diagnosis and Therapy of Lysosomal Disorders, University of Padova); PubMed 16287098 (cited by Laboratory of Diagnosis and Therapy of Lysosomal Disorders, University of Padova); PubMed 23876334 (cited by Laboratory of Diagnosis and Therapy of Lysosomal Disorders, University of Padova); PubMed 7795586 (cited by Laboratory of Diagnosis and Therapy of Lysosomal Disorders, University of Padova); PubMed 34387910 (cited by Laboratory of Diagnosis and Therapy of Lysosomal Disorders, University of Padova); Tomatsu, S., Fukuda, S., Masue, M., Sukegawa, K., Masuno, M., Orii, T. Mucopolysaccharidosis type IVA: characterization and chromosomal localization of N-acetylgalactosamine-6-sulfate sulfatase gene and genetic heterogeneity. (Abstract) Am. J. Hum. Genet. 51 (suppl.): A178, 1992. (cited by OMIM); PubMed 32102177 (cited by GeneReviews); PubMed 23844448 (cited by GeneReviews).